The following is an entry in ClinVar:

NM_000384.3(APOB):c.6403del (p.Val2135fs)

Gene: APOB (apolipoprotein B; minus strand). Cytogenetic location: 2p24.1.
Variant type: Deletion.
Coding change: c.6403del on transcript NM_000384.3 (MANE Select); coding-DNA position 6403, one base deleted (G; older notation c.6403delG).
Protein change: p.Val2135fs; shifts the reading frame from valine 2135.
Molecular consequence: frameshift variant.
Genome position (GRCh38, 1-based): chr2:21,010,465, C deleted on the plus strand (G on the coding strand, the reverse complement: APOB is on the minus strand). VCF-style (leftmost placement, unchanged base first): chr2-21010464-AC-A. GRCh37 (hg19) VCF-style: chr2-21233336-AC-A.
Other names: short protein forms V2135fs.
Identifiers: ClinVar variation 1070659 (VCV001070659.47), dbSNP rs2103357111, ClinGen allele CA2499215583.

ClinVar aggregate classification (germline): Pathogenic (1 of 4 stars; one submission).

Conditions:
Familial hypobetalipoproteinemia 1. Also called: APOB-Related Familial Hypobetalipoproteinemia; Hypobetalipoproteinemia, normotriglyceridemic; Acanthocytosis with hypobetalipoproteinemia. Identifiers: MedGen C4551990, MONDO:0014252, OMIM 615558.
Hypercholesterolemia, autosomal dominant, type B (FHCL2). Also called: HYPERCHOLESTEROLEMIA, FAMILIAL, DUE TO LIGAND-DEFECTIVE APOLIPOPROTEIN B; Familial hypercholesterolemia 2; APOB-Related Familial Hypercholesterolemia, Autosomal Dominant; Familial Hypercholesterolemia Type B; APOLIPOPROTEIN B-100, FAMILIAL DEFECTIVE; APOLIPOPROTEIN B-100, FAMILIAL LIGAND-DEFECTIVE. Identifiers: MedGen C1704417, MONDO:0007751, OMIM 144010.

Submission:

Labcorp Genetics (formerly Invitae), Labcorp
Classification: Pathogenic for Familial hypobetalipoproteinemia 1; Hypercholesterolemia, autosomal dominant, type B. Last evaluated: 2020-06-10. Review status: criteria provided, single submitter. Criteria: Invitae Variant Classification Sherloc (09022015). Collection method: clinical testing. Allele origin: germline.
Comment: For these reasons, this variant has been classified as Pathogenic. Loss-of-function variants in APOB are known to be pathogenic (PMID: 20032471). This variant has not been reported in the literature in individuals with APOB-related conditions. This variant is not present in population databases (ExAC no frequency). This sequence change creates a premature translational stop signal (p.Val2135Phefs*8) in the APOB gene. It is expected to result in an absent or disrupted protein product.

Literature cited by the submitters: PubMed 20032471.